The following is an entry in ClinVar:

ClinVar aggregate classification (germline): Uncertain significance (1 of 4 stars; one submission).

Conditions:
Hereditary spastic paraplegia 11. Also called: SPASTIC PARAPLEGIA, AUTOSOMAL RECESSIVE, COMPLICATED, WITH THIN CORPUS CALLOSUM; SPASTIC PARAPLEGIA, AUTOSOMAL RECESSIVE, WITH MENTAL IMPAIRMENT AND THIN CORPUS CALLOSUM; Spastic Paraplegia 11; Nakamura Osame syndrome; Autosomal recessive hereditary spastic paraplegia, mental impairment, and thin corpus callosum; Spastic paraplegia, mental retardation and thin corpus callosum. Identifiers: Orphanet 2822, MedGen C1858479, MONDO:0011445, OMIM 604360.

Allele frequency attached by ClinVar (database versions not stated): TOPMed below 0.00001; gnomAD 0.00001.
gnomAD v4.1: 1 of 1,613,644 alleles (0.000062%); no homozygotes.

Submission:

Labcorp Genetics (formerly Invitae), Labcorp
Classification: Uncertain significance for Hereditary spastic paraplegia 11. Last evaluated: 2025-09-08. Review status: criteria provided, single submitter. Criteria: Invitae Variant Classification Sherloc (09022015). Collection method: clinical testing. Allele origin: germline.
Comment: This sequence change replaces valine, which is neutral and non-polar, with isoleucine, which is neutral and non-polar, at codon 1099 of the SPG11 protein (p.Val1099Ile). This variant is not present in population databases (gnomAD no frequency). This variant has not been reported in the literature in individuals affected with SPG11-related conditions. ClinVar contains an entry for this variant (Variation ID: 2172068). Invitae Evidence Modeling of protein sequence and biophysical properties (such as structural, functional, and spatial information, amino acid conservation, physicochemical variation, residue mobility, and thermodynamic stability) indicates that this missense variant is not expected to disrupt SPG11 protein function with a negative predictive value of 80%. In summary, the available evidence is currently insufficient to determine the role of this variant in disease. Therefore, it has been classified as a Variant of Uncertain Significance.

NM_025137.4(SPG11):c.3295G>A (p.Val1099Ile)

Gene: SPG11 (SPG11 vesicle trafficking associated, spatacsin; minus strand). Cytogenetic location: 15q21.1.
Variant type: single nucleotide variant.
Coding change: c.3295G>A on transcript NM_025137.4 (MANE Select); coding-DNA position 3295, G replaced by A.
Protein change: p.Val1099Ile; replaces valine 1099 with isoleucine.
Molecular consequence: missense variant.
Genome position (GRCh38, 1-based): chr15:44,608,602, C>T on the plus strand (G>A on the coding strand, the complement: SPG11 is on the minus strand). VCF-style: chr15-44608602-C-T. GRCh37 (hg19) VCF-style: chr15-44900800-C-T.
Other names: c.3295G>A, p.Val1099Ile (NM_001160227.2, NM_001411132.1); short protein forms V1099I.
Identifiers: ClinVar variation 2172068 (VCV002172068.2), dbSNP rs1214258533, ClinGen allele CA392225122.
Genomic context (GRCh38, chr15:44,608,602, plus strand): 5'-CCATCTTCAATAGCTGGGGATCCACTTTCTTCAAACAGTTTTCATTTTCTTCATTCTGAA[C>T]AACCTAAGTAAAAAAACAGATAACAGGTTGGACAGTAGCATTTTTCTCTTCTCAAAGTTT-3'
Protein context (NP_079413.3, residues 1089-1109): MYSPGGVSQV[Val1099Ile]QNEENENCLK